The following is an entry in ClinVar:

NM_004385.5(VCAN):c.7026_7034del (p.Gly2343_Thr2345del)

Genes: VCAN (versican; plus strand), VCAN-AS1 (VCAN antisense RNA 1; minus strand). Cytogenetic location: 5q14.3.
Variant type: Deletion.
Coding change: c.7026_7034del on transcript NM_004385.5 (MANE Select); coding-DNA positions 7026 to 7034, 9 bases deleted (AGGACCCAC; older notation c.7026_7034delAGGACCCAC).
Protein change: p.Gly2343_Thr2345del.
Molecular consequence: intron variant (on NM_001164098.2).
Genome position (GRCh38, 1-based): chr5:83,540,029-83,540,037, AGGACCCAC deleted. VCF-style (leftmost placement, unchanged base first): chr5-83540028-AAGGACCCAC-A. GRCh37 (hg19) VCF-style: chr5-82835847-AAGGACCCAC-A.
Other names: c.4065_4073del, p.Gly1356_Thr1358del (NM_001164097.2); c.4004-5508_4004-5500del (NM_001164098.2); c.1043-5508_1043-5500del (NM_001126336.3).
Identifiers: ClinVar variation 4807000 (VCV004807000.1).

ClinVar aggregate classification (germline): Uncertain significance (1 of 4 stars; one submission).

Submission:

Labcorp Genetics (formerly Invitae), Labcorp
Classification: Uncertain significance. Last evaluated: 2025-02-25. Review status: criteria provided, single submitter. Criteria: Invitae Variant Classification Sherloc (09022015). Collection method: clinical testing. Allele origin: germline.
Comment: This variant, c.7026_7034del, results in the deletion of 3 amino acid(s) of the VCAN protein (p.Gly2343_Thr2345del), but otherwise preserves the integrity of the reading frame. This variant is not present in population databases (gnomAD no frequency). This variant has not been reported in the literature in individuals affected with VCAN-related conditions. Experimental studies and prediction algorithms are not available or were not evaluated, and the functional significance of this variant is currently unknown. In summary, the available evidence is currently insufficient to determine the role of this variant in disease. Therefore, it has been classified as a Variant of Uncertain Significance.